The following is an entry in ClinVar:

NM_138959.3(VANGL1):c.635G>A (p.Arg212Gln)

Gene: VANGL1 (VANGL planar cell polarity protein 1; plus strand). Cytogenetic location: 1p13.1.
Variant type: single nucleotide variant.
Coding change: c.635G>A on transcript NM_138959.3 (MANE Select); coding-DNA position 635, G replaced by A.
Protein change: p.Arg212Gln; replaces arginine 212 with glutamine.
Molecular consequence: missense variant.
Genome position (GRCh38, 1-based): chr1:115,664,091, G>A. VCF-style: chr1-115664091-G-A. GRCh37 (hg19) VCF-style: chr1-116206712-G-A.
Other names: c.629G>A, p.Arg210Gln (NM_001172411.2); c.635G>A, p.Arg212Gln (NM_001172412.2); short protein forms R210Q, R212Q.
Identifiers: ClinVar variation 1050707 (VCV001050707.1), dbSNP rs1009946726, ClinGen allele CA29619791.

ClinVar aggregate classification (germline): Uncertain significance (0 of 4 stars; one submission).

Allele frequency attached by ClinVar (database versions not stated): gnomAD exomes below 0.00001; TOPMed 0.00001; gnomAD 0.00004.
gnomAD v4.1: 28 of 1,613,960 alleles (0.0017%); highest among the groups gnomAD compares: African/African-American, 0.0067%; no homozygotes.

Submission:

Department of Pathology and Laboratory Medicine, Sinai Health System
Classification: Uncertain significance. Review status: no assertion criteria provided. Collection method: clinical testing. Allele origin: unknown. Affected: yes. Study: The Canadian Open Genetics Repository (COGR).
Comment: The VANGL1 p.Arg212Gln variant was not identified in the literature nor was it identified in ClinVar or LOVD 3.0. The variant was identified in dbSNP (ID: rs1009946726) and Cosmic (Found in stomach carcinoma, confirmed somatic). The variant was identified in control databases in 2 of 282856 chromosomes (0 homozygous) at a frequency of 0.000007 (Genome Aggregation Database March 6, 2019, v2.1.1). The variant was observed in the following populations: African in 1 of 24968 chromosomes (freq: 0.00004) and European (non-Finnish) in 1 of 129162 chromosomes (freq: 0.000008), but was not observed in the Latino, Ashkenazi Jewish, East Asian, European (Finnish), Other or South Asian populations. The p.Arg212 residue is conserved in mammals but not in more distantly related organisms however four out of five computational analyses (PolyPhen-2, SIFT, AlignGVGD, BLOSUM, MutationTaster) do not suggest a high likelihood of impact to the protein; this information is not predictive enough to rule out pathogenicity. The variant occurs outside of the splicing consensus sequence and 3 of 4 in silico or computational prediction software programs (SpliceSiteFinder, MaxEntScan, NNSPLICE, GeneSplicer) predict a greater than 10% difference in splicing and hte creation of a 3â€šÃ„Ã´ splice site at the variant location. However, this information is not predictive enough to assume pathogenicity. In summary, based on the above information the clinical significance of this variant cannot be determined with certainty at this time. This variant is classified as a variant of uncertain significance.